The following is an entry in ClinVar:

NM_005045.4(RELN):c.5095G>A (p.Glu1699Lys)

Gene: RELN (reelin; minus strand). Cytogenetic location: 7q22.1.
Variant type: single nucleotide variant.
Coding change: c.5095G>A on transcript NM_005045.4 (MANE Select); coding-DNA position 5095, G replaced by A.
Protein change: p.Glu1699Lys; replaces glutamic acid 1699 with lysine.
Molecular consequence: missense variant.
Genome position (GRCh38, 1-based): chr7:103,565,393, C>T on the plus strand (G>A on the coding strand, the complement: RELN is on the minus strand). VCF-style: chr7-103565393-C-T. GRCh37 (hg19) VCF-style: chr7-103205840-C-T.
Other names: c.5095G>A, p.Glu1699Lys (NM_173054.3); short protein forms E1699K.
Identifiers: ClinVar variation 130124 (VCV000130124.47), dbSNP rs147657490, ClinGen allele CA231454.

ClinVar aggregate classification (germline): Conflicting classifications of pathogenicity. Review status: criteria provided, conflicting classifications (1 of 4 stars). 5 submissions from 5 submitters: Uncertain significance (3); Likely benign (2). Last evaluated 2026-07-01.

Conditions:
Familial temporal lobe epilepsy 7. Identifiers: Orphanet 101046, MedGen C4225327, MONDO:0014639, OMIM 616436.
Norman-Roberts syndrome (LIS2). Also called: Lissencephaly 2 (Norman-Roberts type). Identifiers: Orphanet 89844, MedGen C0796089, MONDO:0009760, OMIM 257320.
Epilepsy, familial temporal lobe, 1. Identifiers: Orphanet 101046, MedGen CN030884, MONDO:0700090, OMIM 600512.

Allele frequency attached by ClinVar (database versions not stated): ExAC 0.00017; gnomAD exomes 0.00017 and 0.00044; TOPMed 0.00026; gnomAD 0.00030 and 0.00032; ESP Exome Variant Server 0.00046.
gnomAD v4.1: 708 of 1,613,916 alleles (0.044%); highest among the groups gnomAD compares: Non-Finnish European, 0.054%; 2 homozygotes.

Submissions (5):

CeGaT Center for Human Genetics Tuebingen
Classification: Likely benign. Last evaluated: 2026-07-01. Review status: criteria provided, single submitter. Criteria: CeGaT Center For Human Genetics Tuebingen Variant Classification Criteria Version 2. Collection method: clinical testing. Allele origin: germline. Affected: yes. Observed: 8 variant alleles.
Comment: RELN: BP4

Labcorp Genetics (formerly Invitae), Labcorp
Classification: Likely benign for Familial temporal lobe epilepsy 7; Norman-Roberts syndrome. Last evaluated: 2026-01-29. Review status: criteria provided, single submitter. Criteria: Invitae Variant Classification Sherloc (09022015). Collection method: clinical testing. Allele origin: germline.

GeneDx
Classification: Uncertain significance. Last evaluated: 2021-10-18. Review status: criteria provided, single submitter. Criteria: GeneDx Variant Classification Process June 2021. Collection method: clinical testing. Allele origin: germline. Affected: yes.
Comment: In silico analysis supports that this missense variant does not alter protein structure/function; Has not been previously published as pathogenic or benign to our knowledge

Fulgent Genetics
Classification: Uncertain significance for Norman-Roberts syndrome; Epilepsy, familial temporal lobe, 1; Familial temporal lobe epilepsy 7. Last evaluated: 2018-10-31. Review status: criteria provided, single submitter. Criteria: ACMG Guidelines, 2015. Collection method: clinical testing. Allele origin: unknown.

Genetic Services Laboratory, University of Chicago
Classification: Uncertain significance. Last evaluated: 2014-01-23. Review status: criteria provided, single submitter. Criteria: ACMG Guidelines, 2007. Collection method: clinical testing. Allele origin: germline. Inheritance: Autosomal recessive inheritance.